The following is an entry in ClinVar:

NM_001042472.3(ABHD12):c.804C>T (p.Ala268=)

Gene: ABHD12 (abhydrolase domain containing 12, lysophospholipase; minus strand). Cytogenetic location: 20p11.21.
Variant type: single nucleotide variant.
Coding change: c.804C>T on transcript NM_001042472.3 (MANE Select); coding-DNA position 804, C replaced by T.
Protein change: p.Ala268=; no amino-acid change (alanine 268 retained).
Molecular consequence: synonymous variant.
Genome position (GRCh38, 1-based): chr20:25,308,029, G>A on the plus strand (C>T on the coding strand, the complement: ABHD12 is on the minus strand). VCF-style: chr20-25308029-G-A. GRCh37 (hg19) VCF-style: chr20-25288665-G-A.
Other names: c.804C>T, p.Ala268= (NM_015600.5); c.804C>T (NM_001042472.2).
Identifiers: ClinVar variation 1107899 (VCV001107899.10), dbSNP rs139497461, ClinGen allele CA9795973.

ClinVar aggregate classification (germline): Likely benign. Review status: criteria provided, multiple submitters, no conflicts (2 of 4 stars). 2 submissions from 2 submitters: Likely benign (2). Last evaluated 2025-10-01.

Conditions:
ABHD12-related disorder. Also called: ABHD12-related condition.

Allele frequency attached by ClinVar (database versions not stated): gnomAD exomes 0.00001 and 0.00002; ExAC 0.00003; ESP Exome Variant Server 0.00008; gnomAD 0.00008 and 0.00009; TOPMed 0.00011.
gnomAD v4.1: 28 of 1,606,328 alleles (0.0017%); highest among the groups gnomAD compares: African/African-American, 0.033%; no homozygotes.

Submissions (2):

PreventionGenetics, part of Exact Sciences
Classification: Likely benign for ABHD12-related condition. Last evaluated: 2025-10-01. Review status: criteria provided, single submitter. Criteria: ACMG Guidelines, 2015. Collection method: clinical testing. Allele origin: germline.
Comment: This variant is classified as likely benign based on ACMG/AMP sequence variant interpretation guidelines (Richards et al. 2015 PMID: 25741868, with internal and published modifications).

Labcorp Genetics (formerly Invitae), Labcorp
Classification: Likely benign. Last evaluated: 2025-02-16. Review status: criteria provided, single submitter. Criteria: Invitae Variant Classification Sherloc (09022015). Collection method: clinical testing. Allele origin: germline.